The following is an entry in ClinVar:

NM_001127464.1:c.10105C>T

Gene: ZNF469 (zinc finger protein 469; plus strand).
Variant type: single nucleotide variant.
Identifiers: ClinVar variation 4615436 (VCV004615436.1).

ClinVar aggregate classification (germline): Uncertain significance (1 of 4 stars; one submission).

Conditions:
Cardiovascular phenotype. Identifiers: MedGen CN230736.

Submission:

Ambry Genetics
Classification: Uncertain significance for Cardiovascular phenotype. Last evaluated: 2025-09-16. Review status: criteria provided, single submitter. Criteria: Ambry Variant Classification Scheme 2023. Collection method: clinical testing. Allele origin: germline.
Comment: The p.Q3369* variant (also known as c.10105C>T), located in coding exon 2 of the ZNF469 gene, results from a C to T substitution at nucleotide position 10105. This changes the amino acid from a glutamine to a stop codon within coding exon 2. This alteration occurs at the 3' terminus of the gene, is not expected to trigger nonsense-mediated mRNAdecay, and impacts the last 14% of the protein. The exact functional effect of this alteration is unknown. Based on the available evidence, the clinical significance of this variant remains unclear.